The following is an entry in ClinVar:

ClinVar aggregate classification (germline): Uncertain significance. Review status: criteria provided, single submitter (1 of 4 stars). 2 submissions from 2 submitters: Uncertain significance (1). 1 of the submissions does not count toward it. Last evaluated 2023-08-04.

Conditions:
Nemaline myopathy 2 (NEM2). Also called: Nemaline myopathy 2, autosomal recessive. Identifiers: MedGen C1850569, MONDO:0009725, OMIM 256030.

Allele frequency attached by ClinVar (database versions not stated): gnomAD exomes below 0.00001; TOPMed below 0.00001; gnomAD 0.00001.
gnomAD v4.1: 2 of 1,613,460 alleles (0.00012%); highest among the groups gnomAD compares: African/African-American, 0.0013%; no homozygotes.

Submissions (2):

Labcorp Genetics (formerly Invitae), Labcorp
Classification: Uncertain significance for Nemaline myopathy 2. Last evaluated: 2023-08-04. Review status: criteria provided, single submitter. Criteria: Invitae Variant Classification Sherloc (09022015). Collection method: clinical testing. Allele origin: germline.
Comment: This variant has not been reported in the literature in individuals affected with NEB-related conditions. This variant is present in population databases (no rsID available, gnomAD 0.007%). This sequence change replaces glycine, which is neutral and non-polar, with glutamic acid, which is acidic and polar, at codon 1708 of the NEB protein (p.Gly1708Glu). ClinVar contains an entry for this variant (Variation ID: 852303). Experimental studies and prediction algorithms are not available or were not evaluated, and the functional significance of this variant is currently unknown. In summary, the available evidence is currently insufficient to determine the role of this variant in disease. Therefore, it has been classified as a Variant of Uncertain Significance.

Natera, Inc.
Classification: Uncertain significance for Nemaline myopathy type 2. Last evaluated: 2021-01-27. Review status: no assertion criteria provided. Collection method: clinical testing. Allele origin: germline. Not counted in ClinVar's aggregate classification.

NM_001164508.2(NEB):c.5123G>A (p.Gly1708Glu)

Gene: NEB (nebulin; minus strand). Cytogenetic location: 2q23.3.
Variant type: single nucleotide variant.
Coding change: c.5123G>A on transcript NM_001164508.2 (MANE Select); coding-DNA position 5123, G replaced by A.
Protein change: p.Gly1708Glu; replaces glycine 1708 with glutamic acid.
Molecular consequence: missense variant.
Genome position (GRCh38, 1-based): chr2:151,665,448, C>T on the plus strand (G>A on the coding strand, the complement: NEB is on the minus strand). VCF-style: chr2-151665448-C-T. GRCh37 (hg19) VCF-style: chr2-152521962-C-T.
Other names: c.5123G>A, p.Gly1708Glu (NM_001164507.2, NM_001271208.2, NM_004543.5); short protein forms G1708E.
Identifiers: ClinVar variation 852303 (VCV000852303.13), dbSNP rs971655417, ClinGen allele CA57645233.
Genomic context (GRCh38, chr2:151,665,448, plus strand): 5'-GCGTAAGTGAACTTCAGCTTCTCGGGGTGCTGGCGATACTTCTTCTCACTAAGAATCTCT[C>T]CTGCTTTCTTTGCCTTCTCCACCTCCAGGGACTCTATGGGCACCCAGCCGATCCCTTTCA-3'
Protein context (NP_001157980.2, residues 1698-1718): SLEVEKAKKA[Gly1708Glu]EILSEKKYRQ